The following is an entry in ClinVar:

ClinVar aggregate classification (germline): Pathogenic (1 of 4 stars; one submission).

Conditions:
Neurofibromatosis, type 1 (NF1). Also called: VON RECKLINGHAUSEN DISEASE; Peripheral type neurofibromatosis; NEUROFIBROMATOSIS, TYPE I, SOMATIC; Neurofibromatosis, type I. Identifiers: Orphanet 636, MedGen C0027831, MONDO:0018975, OMIM 162200. Disease mechanism: loss of function.

Submission:

Labcorp Genetics (formerly Invitae), Labcorp
Classification: Pathogenic for Neurofibromatosis, type 1. Last evaluated: 2020-09-13. Review status: criteria provided, single submitter. Criteria: Invitae Variant Classification Sherloc (09022015). Collection method: clinical testing. Allele origin: germline.
Comment: Loss-of-function variants in NF1 are known to be pathogenic (PMID: 10712197, 23913538). This variant has not been reported in the literature in individuals with NF1-related conditions. This variant is not present in population databases (ExAC no frequency). This sequence change creates a premature translational stop signal (p.Leu2048Thrfs*6) in the NF1 gene. It is expected to result in an absent or disrupted protein product. For these reasons, this variant has been classified as Pathogenic.

Literature cited by the submitters: PubMed 10712197; PubMed 23913538.

NM_001042492.3(NF1):c.6204_6211del (p.Leu2069fs)

Gene: NF1 (neurofibromin 1; plus strand). Cytogenetic location: 17q11.2.
Variant type: Deletion.
Coding change: c.6204_6211del on transcript NM_001042492.3 (MANE Select); coding-DNA positions 6204 to 6211, 8 bases deleted (TTTAGAAC; older notation c.6204_6211delTTTAGAAC).
Protein change: p.Leu2069fs; shifts the reading frame from leucine 2069.
Molecular consequence: frameshift variant.
Genome position (GRCh38, 1-based): chr17:31,336,691-31,336,698, TTTAGAAC deleted; deleting any 8 consecutive bases within chr17:31,336,689-31,336,698 gives the same sequence; the c. name uses the placement nearest the transcript's 3' end. VCF-style (leftmost placement, unchanged base first): chr17-31336688-TACTTTAGA-T. GRCh37 (hg19) VCF-style: chr17-29663706-TACTTTAGA-T.
Other names: c.6141_6148delTTTAGAAC, p.Leu2048Thrfs (NM_000267.4); short protein forms L2048fs, L2069fs.
Identifiers: ClinVar variation 1068971 (VCV001068971.5), dbSNP rs2151554438, ClinGen allele CA2499224186.
Genomic context (GRCh38, chr17:31,336,688, plus strand): 5'-TTTACAGGTTATTGGAAGGATGTGCAAAATAATTGACAAGACATGCTTATCTCCAACTCC[TACTTTAGA>T]ACAACATCTTATGTGGGATGATATTGCTATTTTAGCACGCTACATGCTGATGCTGTCCTT-3'